The following is an entry in ClinVar:

ClinVar aggregate classification (germline): Uncertain significance (1 of 4 stars; one submission).

Conditions:
Spastic paraplegia. Identifiers: MedGen C0037772, HP:0001258.

Allele frequency attached by ClinVar (database versions not stated): gnomAD exomes below 0.00001; TOPMed below 0.00001.
gnomAD v4.1: 1 of 1,612,924 alleles (0.000062%); highest among the groups gnomAD compares: East Asian, 0.0022%; no homozygotes.

Submission:

Labcorp Genetics (formerly Invitae), Labcorp
Classification: Uncertain significance for Spastic paraplegia. Last evaluated: 2021-12-02. Review status: criteria provided, single submitter. Criteria: Invitae Variant Classification Sherloc (09022015). Collection method: clinical testing. Allele origin: germline.
Comment: This missense change has been observed in individual(s) with clinical features of hereditary spastic paraplegia (Invitae). This variant is not present in population databases (gnomAD no frequency). This sequence change replaces proline, which is neutral and non-polar, with leucine, which is neutral and non-polar, at codon 251 of the GJC2 protein (p.Pro251Leu). Algorithms developed to predict the effect of missense changes on protein structure and function (SIFT, PolyPhen-2, Align-GVGD) all suggest that this variant is likely to be disruptive. In summary, the available evidence is currently insufficient to determine the role of this variant in disease. Therefore, it has been classified as a Variant of Uncertain Significance.

NM_020435.4(GJC2):c.752C>T (p.Pro251Leu)

Gene: GJC2 (gap junction protein gamma 2; plus strand). Cytogenetic location: 1q42.13.
Variant type: single nucleotide variant.
Coding change: c.752C>T on transcript NM_020435.4 (MANE Select); coding-DNA position 752, C replaced by T.
Protein change: p.Pro251Leu; replaces proline 251 with leucine.
Molecular consequence: missense variant.
Genome position (GRCh38, 1-based): chr1:228,158,510, C>T. VCF-style: chr1-228158510-C-T. GRCh37 (hg19) VCF-style: chr1-228346211-C-T.
Other names: short protein forms P251L.
Identifiers: ClinVar variation 1416510 (VCV001416510.6), dbSNP rs2034720620, ClinGen allele CA345099313.